The following is an entry in ClinVar:

NM_000081.4(LYST):c.9670C>G (p.Pro3224Ala)

Gene: LYST (lysosomal trafficking regulator; minus strand). Cytogenetic location: 1q42.3.
Variant type: single nucleotide variant.
Coding change: c.9670C>G on transcript NM_000081.4 (MANE Select); coding-DNA position 9670, C replaced by G.
Protein change: p.Pro3224Ala; replaces proline 3224 with alanine.
Molecular consequence: missense variant.
Genome position (GRCh38, 1-based): chr1:235,715,315, G>C on the plus strand (C>G on the coding strand, the complement: LYST is on the minus strand). VCF-style: chr1-235715315-G-C. GRCh37 (hg19) VCF-style: chr1-235878615-G-C.
Other names: c.9670C>G, p.Pro3224Ala (NM_001301365.1); short protein forms P3224A.
Identifiers: ClinVar variation 1908878 (VCV001908878.2), dbSNP rs1425163458, ClinGen allele CA344939632.
Genomic context (GRCh38, chr1:235,715,315, plus strand): 5'-GCACAGTGCCGCTATTGGAATAGTGGGAGCCATAGTGATAGGGCTGCACGGGAGGCATGG[G>C]GTCATCTTCTCTGGCTCCTTTGCGGTACTCTTCCTCCAAGTACTGAAAGAAACGGTGAAT-3'
Protein context (NP_000072.2, residues 3214-3234): EYRKGAREDD[Pro3224Ala]MPPVQPYHYG

ClinVar aggregate classification (germline): Uncertain significance (1 of 4 stars; one submission).

Conditions:
Chédiak-Higashi syndrome (CHS). Also called: Chediak-Higashi Syndrome. Identifiers: Orphanet 167, MedGen C0007965, MONDO:0008963, OMIM 214500.

Allele frequency attached by ClinVar (database versions not stated): TOPMed below 0.00001; gnomAD 0.00001; gnomAD exomes 0.00001.
gnomAD v4.1: 9 of 1,613,822 alleles (0.00056%); highest among the groups gnomAD compares: Non-Finnish European, 0.00076%; no homozygotes.

Submission:

Labcorp Genetics (formerly Invitae), Labcorp
Classification: Uncertain significance for Chédiak-Higashi syndrome. Last evaluated: 2022-04-15. Review status: criteria provided, single submitter. Criteria: Invitae Variant Classification Sherloc (09022015). Collection method: clinical testing. Allele origin: germline.
Comment: This sequence change replaces proline, which is neutral and non-polar, with alanine, which is neutral and non-polar, at codon 3224 of the LYST protein (p.Pro3224Ala). This variant is not present in population databases (gnomAD no frequency). This variant has not been reported in the literature in individuals affected with LYST-related conditions. Algorithms developed to predict the effect of missense changes on protein structure and function are either unavailable or do not agree on the potential impact of this missense change (SIFT: "Tolerated"; PolyPhen-2: "Probably Damaging"; Align-GVGD: "Class C0"). In summary, the available evidence is currently insufficient to determine the role of this variant in disease. Therefore, it has been classified as a Variant of Uncertain Significance.